The following is an entry in ClinVar:

ClinVar aggregate classification (germline): Uncertain significance (1 of 4 stars; one submission).

Conditions:
Inborn genetic diseases. Identifiers: MedGen C0950123, MeSH D030342.

Submission:

Ambry Genetics
Classification: Uncertain significance for Inborn genetic diseases. Last evaluated: 2025-05-02. Review status: criteria provided, single submitter. Criteria: Ambry Variant Classification Scheme 2023. Collection method: clinical testing. Allele origin: germline.
Comment: The p.N94S variant (also known as c.281A>G), located in coding exon 1 of the SAMD9 gene, results from an A to G substitution at nucleotide position 281. The asparagine at codon 94 is replaced by serine, an amino acid with highly similar properties. This amino acid position is conserved. In addition, this alteration is predicted to be tolerated by in silico analysis. Based on the available evidence, the clinical significance of this variant remains unclear.

NM_017654.4(SAMD9):c.281A>G (p.Asn94Ser)

Gene: SAMD9 (sterile alpha motif domain containing 9; minus strand). Cytogenetic location: 7q21.2.
Variant type: single nucleotide variant.
Coding change: c.281A>G on transcript NM_017654.4 (MANE Select); coding-DNA position 281, A replaced by G.
Protein change: p.Asn94Ser; replaces asparagine 94 with serine.
Molecular consequence: missense variant.
Genome position (GRCh38, 1-based): chr7:93,105,817, T>C on the plus strand (A>G on the coding strand, the complement: SAMD9 is on the minus strand). VCF-style: chr7-93105817-T-C. GRCh37 (hg19) VCF-style: chr7-92735130-T-C.
Other names: c.281A>G, p.Asn94Ser (NM_001193307.2); short protein forms N94S.
Identifiers: ClinVar variation 3949603 (VCV003949603.1).
Genomic context (GRCh38, chr7:93,105,817, plus strand): 5'-TGTTTTTGCTTTGAAGTTTCTCTACGTTCCTTTTGAGACACAGTTTGGTCTTTAGGAGCA[T>C]TTTTACTGGGCTTTCCCATCTTAGATGTCTGAATCGAATCTTCAATGGCTGTTTTCCGCA-3'
Protein context (NP_060124.2, residues 84-104): QTSKMGKPSK[Asn94Ser]APKDQTVSQK